The following is an entry in ClinVar:

NM_000038.6(APC):c.1744-2150T>A

Gene: APC (APC regulator of WNT signaling pathway; plus strand). Cytogenetic location: 5q22.2.
Variant type: single nucleotide variant.
Coding change: c.1744-2150T>A on transcript NM_000038.6 (MANE Select); 2150 bases into the intron before coding-DNA position 1744, T replaced by A.
Molecular consequence: intron variant.
Genome position (GRCh38, 1-based): chr5:112,832,801, T>A. VCF-style: chr5-112832801-T-A. GRCh37 (hg19) VCF-style: chr5-112168498-T-A.
Other names: c.1744-2150T>A (NM_001354895.2, NM_001127510.3); c.1774-2150T>A (NM_001354897.2); c.1471-2150T>A (NM_001354902.2); c.1690-2150T>A (NM_001127511.3); c.1669-2150T>A (NM_001354898.2); c.1366-2150T>A (NM_001354904.2); c.895-2150T>A (NM_001354906.2); c.1798-2150T>A (NM_001354896.2); and 5 more.
Identifiers: ClinVar variation 83191 (VCV000083191.2), dbSNP rs80346480, ClinGen allele CA005815.
Genomic context (GRCh38, chr5:112,832,801, plus strand): 5'-AAGAGCTGTTCTCCTCCATGAAATATTTGATTGATTTGATTAAATTCAGGGTGTAATAGT[T>A]TTTTCTTTGGAGCACTTTGTTTCATGTATATTTTTGTATCTTTTTTTCCCCCCAAAGCAA-3'

ClinVar aggregate classification (germline): other (0 of 4 stars; one submission).

Conditions:
Familial colorectal cancer. Identifiers: MedGen CN280943, MONDO:0023113. Disease mechanism: loss of function.

Submission:

Systems Biology Platform Zhejiang California International NanoSystems Institute
Classification: other for Familial colorectal cancer. Review status: no assertion criteria provided. Collection method: not provided. Allele origin: unknown.
ClinVar note: Converted during submission from cancer to other.